The following is an entry in ClinVar:

NM_001567.4(INPPL1):c.1254G>C (p.Gln418His)

Gene: INPPL1 (inositol polyphosphate phosphatase like 1; plus strand). Cytogenetic location: 11q13.4.
Variant type: single nucleotide variant.
Coding change: c.1254G>C on transcript NM_001567.4 (MANE Select); coding-DNA position 1254, G replaced by C.
Protein change: p.Gln418His; replaces glutamine 418 with histidine.
Molecular consequence: missense variant.
Genome position (GRCh38, 1-based): chr11:72,230,852, G>C. VCF-style: chr11-72230852-G-C. GRCh37 (hg19) VCF-style: chr11-71941896-G-C.
Other names: short protein forms Q418H.
Identifiers: ClinVar variation 1722159 (VCV001722159.5), dbSNP rs2539206729, ClinGen allele CA381725974.

ClinVar aggregate classification (germline): Uncertain significance (1 of 4 stars; one submission).

Submission:

Labcorp Genetics (formerly Invitae), Labcorp
Classification: Uncertain significance. Last evaluated: 2022-07-21. Review status: criteria provided, single submitter. Criteria: Invitae Variant Classification Sherloc (09022015). Collection method: clinical testing. Allele origin: germline.
Comment: This sequence change replaces glutamine, which is neutral and polar, with histidine, which is basic and polar, at codon 418 of the INPPL1 protein (p.Gln418His). This variant is not present in population databases (gnomAD no frequency). This variant has not been reported in the literature in individuals affected with INPPL1-related conditions. Algorithms developed to predict the effect of missense changes on protein structure and function are either unavailable or do not agree on the potential impact of this missense change (SIFT: "Deleterious"; PolyPhen-2: "Possibly Damaging"; Align-GVGD: "Class C0"). In summary, the available evidence is currently insufficient to determine the role of this variant in disease. Therefore, it has been classified as a Variant of Uncertain Significance.